The following is an entry in ClinVar:

NM_030930.4(UNC93B1):c.1099G>A (p.Val367Met)

Gene: UNC93B1 (unc-93B1 regulator of TLR signaling; minus strand). Cytogenetic location: 11q13.2.
Variant type: single nucleotide variant.
Coding change: c.1099G>A on transcript NM_030930.4 (MANE Select); coding-DNA position 1099, G replaced by A.
Protein change: p.Val367Met; replaces valine 367 with methionine.
Molecular consequence: missense variant.
Genome position (GRCh38, 1-based): chr11:67,995,875, C>T on the plus strand (G>A on the coding strand, the complement: UNC93B1 is on the minus strand). VCF-style: chr11-67995875-C-T. GRCh37 (hg19) VCF-style: chr11-67763346-C-T.
Other names: short protein forms V367M.
Identifiers: ClinVar variation 1521217 (VCV001521217.5), dbSNP rs1251067819, ClinGen allele CA381571223.
Genomic context (GRCh38, chr11:67,995,875, plus strand): 5'-AGGCGCCCAGGCTGTAAGCCACGAGGAGGTAAGCCAGCCGCTCCAGCCCCACCGAGCACA[C>T]GCCATAGCCCTGCGGGGGGACAAGGGGTGAGTGTTGAAGTCTGGAACAGCCCAGACCACA-3'
Protein context (NP_112192.2, residues 357-377): ACTGIALGYG[Val367Met]CSVGLERLAY

ClinVar aggregate classification (germline): Uncertain significance (1 of 4 stars; one submission).

Conditions:
Encephalopathy, acute, infection-induced (herpes-specific), susceptibility to, 1. Also called: Herpes simplex encephalitis, susceptibility to, 1. Identifiers: Orphanet 1930, MedGen C2750180, MONDO:0024563, OMIM 610551.

Allele frequency attached by ClinVar (database versions not stated): gnomAD exomes 0.00002.

Submission:

Labcorp Genetics (formerly Invitae), Labcorp
Classification: Uncertain significance for Encephalopathy, acute, infection-induced (herpes-specific), susceptibility to, 1. Last evaluated: 2021-01-14. Review status: criteria provided, single submitter. Criteria: Invitae Variant Classification Sherloc (09022015). Collection method: clinical testing. Allele origin: germline.
Comment: Experimental studies and prediction algorithms are not available or were not evaluated, and the functional significance of this variant is currently unknown. This sequence change replaces valine with methionine at codon 367 of the UNC93B1 protein (p.Val367Met). The valine residue is highly conserved and there is a small physicochemical difference between valine and methionine. The frequency data for this variant in the population databases is considered unreliable, as metrics indicate insufficient coverage at this position in the ExAC database. This variant has not been reported in the literature in individuals with UNC93B1-related conditions. In summary, the available evidence is currently insufficient to determine the role of this variant in disease. Therefore, it has been classified as a Variant of Uncertain Significance.